The following is an entry in ClinVar:

NM_000161.3(GCH1):c.*173T>C

Gene: GCH1 (GTP cyclohydrolase 1; minus strand). Cytogenetic location: 14q22.2.
Variant type: single nucleotide variant.
Coding change: c.*173T>C on transcript NM_000161.3 (MANE Select); 173 bases downstream of the stop codon, T replaced by C.
Molecular consequence: 3 prime UTR variant. On other transcripts: synonymous variant (1), intron variant (3).
Genome position (GRCh38, 1-based): chr14:54,843,844, A>G on the plus strand (T>C on the coding strand, the complement: GCH1 is on the minus strand). VCF-style: chr14-54843844-A-G. GRCh37 (hg19) VCF-style: chr14-55310562-A-G.
Other names: c.652T>C, p.Leu218= (NM_001024070.2); c.*173T>C (NM_001424105.1); c.510-790T>C (NM_001424104.1); c.627-790T>C (NM_001024071.2); c.*16+157T>C (NM_001024024.2).
Identifiers: ClinVar variation 4533701 (VCV004533701.6).

ClinVar aggregate classification (germline): Likely benign (1 of 4 stars; one submission).

gnomAD v4.1: 98 of 1,611,992 alleles (0.0061%); highest among the groups gnomAD compares: Admixed American, 0.16%; no homozygotes.

Submission:

CeGaT Center for Human Genetics Tuebingen
Classification: Likely benign. Last evaluated: 2026-08-01. Review status: criteria provided, single submitter. Criteria: CeGaT Center For Human Genetics Tuebingen Variant Classification Criteria Version 2. Collection method: clinical testing. Allele origin: germline. Affected: yes. Observed: 2 variant alleles.
Comment: GCH1: BP4, BP7